The following is an entry in ClinVar:

NM_015978.3(TNNI3K):c.544-2A>C

Genes: FPGT-TNNI3K (FPGT-TNNI3K readthrough; plus strand), TNNI3K (TNNI3 interacting kinase; plus strand). Cytogenetic location: 1p31.1.
Variant type: single nucleotide variant.
Coding change: c.544-2A>C on transcript NM_015978.3 (MANE Select); the canonical splice acceptor site of the intron before coding-DNA position 544, A replaced by C.
Molecular consequence: splice acceptor variant.
Genome position (GRCh38, 1-based): chr1:74,336,009, A>C. VCF-style: chr1-74336009-A-C. GRCh37 (hg19) VCF-style: chr1-74801693-A-C.
Other names: c.847-2A>C (NM_001112808.3, NM_001199327.2).
Identifiers: ClinVar variation 1371497 (VCV001371497.6), dbSNP rs1057405614, ClinGen allele CA24518560.

ClinVar aggregate classification (germline): Uncertain significance (1 of 4 stars; one submission).

Allele frequency attached by ClinVar (database versions not stated): gnomAD 0.00002; TOPMed 0.00003.
gnomAD v4.1: 8 of 1,568,686 alleles (0.00051%); highest among the groups gnomAD compares: African/African-American, 0.011%; no homozygotes.

Submission:

Labcorp Genetics (formerly Invitae), Labcorp
Classification: Uncertain significance. Last evaluated: 2026-01-24. Review status: criteria provided, single submitter. Criteria: Invitae Variant Classification Sherloc (09022015). Collection method: clinical testing. Allele origin: germline.
Comment: This sequence change affects an acceptor splice site in intron 6 of the TNNI3K gene. It is expected to disrupt RNA splicing. Variants that disrupt the donor or acceptor splice site typically lead to a loss of protein function (PMID: 16199547), however the current clinical and genetic evidence is not sufficient to establish whether loss-of-function variants in TNNI3K cause disease. This variant is not present in population databases (gnomAD no frequency). This variant has not been reported in the literature in individuals affected with TNNI3K-related conditions. ClinVar contains an entry for this variant (Variation ID: 1371497). Algorithms developed to predict the effect of sequence changes on RNA splicing suggest that this variant may disrupt the consensus splice site. In summary, the available evidence is currently insufficient to determine the role of this variant in disease. Therefore, it has been classified as a Variant of Uncertain Significance.

Literature cited by the submitters: PubMed 16199547.